The following is an entry in ClinVar:

NM_001048174.2(MUTYH):c.169C>T (p.His57Tyr)

Gene: MUTYH (mutY DNA glycosylase; minus strand). Cytogenetic location: 1p34.1.
Variant type: single nucleotide variant.
Coding change: c.169C>T on transcript NM_001048174.2 (MANE Select); coding-DNA position 169, C replaced by T.
Protein change: p.His57Tyr; replaces histidine 57 with tyrosine.
Molecular consequence: missense variant. On other transcripts: 5 prime UTR variant (1), non-coding transcript variant (2), intron variant (3).
Genome position (GRCh38, 1-based): chr1:45,333,508, G>A on the plus strand (C>T on the coding strand, the complement: MUTYH is on the minus strand). VCF-style: chr1-45333508-G-A. GRCh37 (hg19) VCF-style: chr1-45799180-G-A.
Other names: c.169C>T, p.His57Tyr (NM_001048171.2, NM_001048173.2, NM_001293195.2); c.172C>T, p.His58Tyr (NM_001048172.2); c.253C>T, p.His85Tyr (NM_001128425.2); c.214C>T, p.His72Tyr (NM_001293190.2); c.202C>T, p.His68Tyr (NM_001293191.2); c.-103C>T (NM_001350650.2); c.244C>T, p.His82Tyr (NM_012222.3); c.-92-11C>T (NM_001350651.2); and 1 more; short protein forms H58Y, H68Y, H72Y, H57Y, H82Y, H85Y.
Identifiers: ClinVar variation 969176 (VCV000969176.14), dbSNP rs1645370714, ClinGen allele CA340136518.
Genomic context (GRCh38, chr1:45,333,508, plus strand): 5'-CGTACCAGCTTAGCAGGCTCCCTCGGAAGGCTGTGACTTCAGCTACGTCTCTGAATAGAT[G>A]GTATGAGGAGACAGAGGCCTGCAATACCACCTCTTCCGGCTGCCTGGCCAGGCCTGCTGG-3'
Protein context (NP_001041639.1, residues 47-67): VVLQASVSSY[His57Tyr]LFRDVAEVTA

ClinVar aggregate classification (germline): Uncertain significance. Review status: criteria provided, multiple submitters, no conflicts (2 of 4 stars). 3 submissions from 3 submitters: Uncertain significance (3). Last evaluated 2025-09-08.

Conditions:
Hereditary cancer-predisposing syndrome. Also called: Tumor predisposition; Hereditary Cancer Syndrome; Neoplastic Syndromes, Hereditary; Hereditary neoplastic syndrome. Identifiers: Orphanet 140162, MedGen C0027672, MeSH D009386, MONDO:0015356.
Familial adenomatous polyposis 2. Also called: COLORECTAL ADENOMATOUS POLYPOSIS, AUTOSOMAL RECESSIVE; ADENOMAS, MULTIPLE COLORECTAL, AUTOSOMAL RECESSIVE; MYH-associated polyposis; FAP type 2; MUTYH-associated polyposis; MUTYH-related attenuated familial adenomatous polyposis. Identifiers: Orphanet 220460, Orphanet 247798, MedGen C3272841, MONDO:0012041, OMIM 608456.

Allele frequency attached by ClinVar (database versions not stated): gnomAD exomes below 0.00001.
gnomAD v4.1: 1 of 1,614,212 alleles (0.000062%); highest among the groups gnomAD compares: African/African-American, 0.0013%; no homozygotes.

Submissions (3):

Color Diagnostics, LLC DBA Color Health
Classification: Uncertain significance for Hereditary cancer-predisposing syndrome. Last evaluated: 2025-09-08. Review status: criteria provided, single submitter. Criteria: ACMG Guidelines, 2015. Collection method: clinical testing. Allele origin: germline.
Comment: This missense variant replaces histidine with tyrosine at codon 85 of the MUTYH protein. Computational prediction suggests that this variant may not impact protein structure and function. To our knowledge, functional studies have not been reported for this variant. This variant has not been reported in individuals affected with MUTYH-related disorders in the literature. This variant has not been identified in the general population by the Genome Aggregation Database (gnomAD). The available evidence is insufficient to determine the role of this variant in disease conclusively. Therefore, this variant is classified as a Variant of Uncertain Significance.

Ambry Genetics
Classification: Uncertain significance for Hereditary cancer-predisposing syndrome. Last evaluated: 2024-06-19. Review status: criteria provided, single submitter. Criteria: Ambry Variant Classification Scheme 2023. Collection method: clinical testing. Allele origin: germline.
Comment: The p.H85Y variant (also known as c.253C>T), located in coding exon 3 of the MUTYH gene, results from a C to T substitution at nucleotide position 253. The histidine at codon 85 is replaced by tyrosine, an amino acid with similar properties. This amino acid position is highly conserved in available vertebrate species. In addition, the in silico prediction for this alteration is inconclusive. Based on the available evidence, the clinical significance of this variant remains unclear.

Labcorp Genetics (formerly Invitae), Labcorp
Classification: Uncertain significance for Familial adenomatous polyposis 2. Last evaluated: 2023-05-18. Review status: criteria provided, single submitter. Criteria: Invitae Variant Classification Sherloc (09022015). Collection method: clinical testing. Allele origin: germline.
Comment: An algorithm developed to predict the effect of missense changes on protein structure and function (PolyPhen-2) suggests that this variant is likely to be tolerated. In summary, the available evidence is currently insufficient to determine the role of this variant in disease. Therefore, it has been classified as a Variant of Uncertain Significance. ClinVar contains an entry for this variant (Variation ID: 969176). This sequence change replaces histidine, which is basic and polar, with tyrosine, which is neutral and polar, at codon 85 of the MUTYH protein (p.His85Tyr). This variant is not present in population databases (gnomAD no frequency). This variant has not been reported in the literature in individuals affected with MUTYH-related conditions.